The following is an entry in ClinVar:

NM_001197104.2(KMT2A):c.10730C>T (p.Thr3577Met)

Gene: KMT2A (lysine methyltransferase 2A; plus strand). Cytogenetic location: 11q23.3.
Variant type: single nucleotide variant.
Coding change: c.10730C>T on transcript NM_001197104.2 (MANE Select); coding-DNA position 10730, C replaced by T.
Protein change: p.Thr3577Met; replaces threonine 3577 with methionine.
Molecular consequence: missense variant.
Genome position (GRCh38, 1-based): chr11:118,506,622, C>T. VCF-style: chr11-118506622-C-T. GRCh37 (hg19) VCF-style: chr11-118377337-C-T.
Other names: c.10721C>T, p.Thr3574Met (NM_005933.4); short protein forms T3577M, T3574M.
Identifiers: ClinVar variation 1422067 (VCV001422067.6), dbSNP rs782625001, ClinGen allele CA382827049.

ClinVar aggregate classification (germline): Uncertain significance (1 of 4 stars; one submission).

gnomAD v4.1: 25 of 1,606,982 alleles (0.0016%); highest among the groups gnomAD compares: Non-Finnish European, 0.002%; no homozygotes.

Submission:

Labcorp Genetics (formerly Invitae), Labcorp
Classification: Uncertain significance. Last evaluated: 2021-09-03. Review status: criteria provided, single submitter. Criteria: Invitae Variant Classification Sherloc (09022015). Collection method: clinical testing. Allele origin: germline.
Comment: Advanced modeling of protein sequence and biophysical properties (such as structural, functional, and spatial information, amino acid conservation, physicochemical variation, residue mobility, and thermodynamic stability) performed at Invitae indicates that this missense variant is not expected to disrupt KMT2A protein function. In summary, the available evidence is currently insufficient to determine the role of this variant in disease. Therefore, it has been classified as a Variant of Uncertain Significance. This variant has not been reported in the literature in individuals affected with KMT2A-related conditions. This variant is not present in population databases (ExAC no frequency). This sequence change replaces threonine with methionine at codon 3577 of the KMT2A protein (p.Thr3577Met). The threonine residue is weakly conserved and there is a moderate physicochemical difference between threonine and methionine.